The following is an entry in ClinVar:

ClinVar aggregate classification (germline): Likely benign (1 of 4 stars; one submission).

gnomAD v4.1: 3 of 1,569,082 alleles (0.00019%); highest among the groups gnomAD compares: Non-Finnish European, 0.00026%; no homozygotes.

Submission:

CeGaT Center for Human Genetics Tuebingen
Classification: Likely benign. Last evaluated: 2025-08-01. Review status: criteria provided, single submitter. Criteria: CeGaT Center For Human Genetics Tuebingen Variant Classification Criteria Version 2. Collection method: clinical testing. Allele origin: germline. Affected: yes. Observed: 1 variant allele.
Comment: ZNF208: BP4, BP7

NM_007153.3(ZNF208):c.2145T>C (p.His715=)

Gene: ZNF208 (zinc finger protein 208; minus strand). Cytogenetic location: 19p12.
Variant type: single nucleotide variant.
Coding change: c.2145T>C on transcript NM_007153.3 (MANE Select); coding-DNA position 2145, T replaced by C.
Protein change: p.His715=; no amino-acid change (histidine 715 retained).
Molecular consequence: synonymous variant. On other transcripts: intron variant (4).
Genome position (GRCh38, 1-based): chr19:21,972,889, A>G on the plus strand (T>C on the coding strand, the complement: ZNF208 is on the minus strand). VCF-style: chr19-21972889-A-G. GRCh37 (hg19) VCF-style: chr19-22155691-A-G.
Other names: c.226+14327T>C (NM_001329974.2); c.305+1840T>C (NM_001329971.2, NM_001329973.1); c.227-12105T>C (NM_001329972.1).
Identifiers: ClinVar variation 4083630 (VCV004083630.8).
Genomic context (GRCh38, chr19:21,972,889, plus strand): 5'-GACTGAGAATGTACTAAAGCTTTTGCCACATTCTTCACATTTGTAGGGTTTCTCTCCAGT[A>G]TGAATTCTCTTATGTTCCATAAGGTTTGAGGACCAGTTGAAAGCTTTGCCACATTCTTCA-3'
Protein context (NP_009084.2, residues 705-725): SSNLMEHKRI[His715=]TGEKPYKCEE